The following is an entry in ClinVar:

NM_001329943.3(KIAA0586):c.807+3A>T

Gene: KIAA0586 (KIAA0586; plus strand). Cytogenetic location: 14q23.1.
Variant type: single nucleotide variant.
Coding change: c.807+3A>T on transcript NM_001329943.3 (MANE Select); 3 bases into the intron after coding-DNA position 807, A replaced by T.
Molecular consequence: intron variant.
Genome position (GRCh38, 1-based): chr14:58,444,178, A>T. VCF-style: chr14-58444178-A-T. GRCh37 (hg19) VCF-style: chr14-58910896-A-T.
Other names: c.966+3A>T (NM_001244189.2, NM_001244189.1); c.762+3A>T (NM_001244190.2); c.675+3A>T (NM_001244192.2); c.552+3A>T (NM_001244191.2, NM_001364701.2, NM_001329945.2 and 1 more transcripts); c.807+3A>T (NM_001329944.2, NM_001329946.2, NM_001329947.2 and 1 more transcripts); c.387+3A>T (NM_001244193.2).
Identifiers: ClinVar variation 1492768 (VCV001492768.8), dbSNP rs771308299, ClinGen allele CA7205475.

ClinVar aggregate classification (germline): Uncertain significance. Review status: criteria provided, multiple submitters, no conflicts (2 of 4 stars). 3 submissions from 3 submitters: Uncertain significance (3). Last evaluated 2024-04-11.

Conditions:
Joubert syndrome 23 (JBTS23). Identifiers: Orphanet 475, MedGen C4084822, MONDO:0014664, OMIM 616490.
Short-rib thoracic dysplasia 14 with polydactyly (SRTD14). Identifiers: Orphanet 397715, MedGen C4225286, MONDO:0014688, OMIM 616546.

Allele frequency attached by ClinVar (database versions not stated): ExAC 0.00002; gnomAD exomes 0.00003; gnomAD 0.00006; TOPMed 0.00006.
gnomAD v4.1: 206 of 1,575,050 alleles (0.013%); highest among the groups gnomAD compares: Non-Finnish European, 0.017%; no homozygotes.

Submissions (4):

Blueprint Genetics
Classification: Uncertain significance. Last evaluated: 2024-04-11. Review status: criteria provided, single submitter. Criteria: ACMG Guidelines, 2015. Collection method: clinical testing. Allele origin: germline.

Labcorp Genetics (formerly Invitae), Labcorp
Classification: Uncertain significance for Joubert syndrome 23; Short-rib thoracic dysplasia 14 with polydactyly. Last evaluated: 2022-10-18. Review status: criteria provided, single submitter. Criteria: Invitae Variant Classification Sherloc (09022015). Collection method: clinical testing. Allele origin: germline.
Comment: This sequence change falls in intron 8 of the KIAA0586 gene. It does not directly change the encoded amino acid sequence of the KIAA0586 protein. It affects a nucleotide within the consensus splice site. This variant is present in population databases (rs771308299, gnomAD 0.006%). This variant has not been reported in the literature in individuals affected with KIAA0586-related conditions. ClinVar contains an entry for this variant (Variation ID: 1492768). Variants that disrupt the consensus splice site are a relatively common cause of aberrant splicing (PMID: 17576681, 9536098). Algorithms developed to predict the effect of sequence changes on RNA splicing suggest that this variant may disrupt the consensus splice site. In summary, the available evidence is currently insufficient to determine the role of this variant in disease. Therefore, it has been classified as a Variant of Uncertain Significance.

Revvity Omics, Revvity
Classification: Uncertain significance. Last evaluated: 2020-12-13. Review status: criteria provided, single submitter. Criteria: ACMG Guidelines, 2015. Collection method: clinical testing. Allele origin: germline.

Dr. Peter K. Rogan Lab, Western University
No classification provided (evidence only). Condition: Melanoma. Review status: no classification provided. Collection method: in vitro. Allele origin: not applicable. Functional consequence: retained intron. Not counted in ClinVar's aggregate classification.

Literature cited by the submitters: PubMed 17576681 (cited by Labcorp Genetics (formerly Invitae), Labcorp); PubMed 9536098 (cited by Labcorp Genetics (formerly Invitae), Labcorp).